The following is an entry in ClinVar:

ClinVar aggregate classification (germline): Pathogenic (1 of 4 stars; one submission).

Conditions:
Leigh syndrome (NULS). Also called: Leigh's necrotizing encephalopathy; Leigh's disease; Leigh Disease; Subacute necrotizing encephalopathy; Necrotizing encephalopathy infantile subacute of Leigh; Leigh Syndrome (mtDNA deletion). Identifiers: Orphanet 506, MedGen C2931891, MONDO:0009723, OMIM 256000.

gnomAD v4.1: 5 of 1,613,078 alleles (0.00031%); highest among the groups gnomAD compares: Non-Finnish European, 0.00042%; no homozygotes.

Submission:

Victorian Clinical Genetics Services, Murdoch Childrens Research Institute
Classification: Pathogenic for Leigh syndrome. Last evaluated: 2022-02-02. Review status: criteria provided, single submitter. Criteria: ACMG Guidelines, 2015. Collection method: clinical testing. Allele origin: germline. Inheritance: Autosomal recessive inheritance. Affected: yes.
Comment: Based on the classification scheme VCGS_Germline_v1.3.4, this variant is classified as Pathogenic. Following criteria are met: 0102 - Loss of function is a known mechanism of disease in this gene and is associated with NDUFS4-related Leigh syndrome (MIM#252010). (I) 0106 - This gene is associated with autosomal recessive disease. (I) 0209 - Splice site variant proven to affect splicing of the transcript with uncertain effect on protein sequence. RNA studies of this canonical splice site variant have demonstrated five different abnormal splicing events that are all predicted to result in nonsense-mediated decay (NMD), however, it could not be determined if any normal splicing is retained (Splicing Diagnostics, Kids Neuroscience Centre). (SP) 0252 - This variant is homozygous. (I) 0304 - Variant is present in gnomAD (v2) <0.01 for a recessive condition (1 heterozygote, 0 homozygotes). (SP) 0311 - An alternative nucleotide change at the same canonical splice site is present in gnomAD (v2) (3 heterozygotes, 0 homozygotes). (I) 0505 - Abnormal splicing is predicted by in silico tools and affected nucleotide is highly conserved. (SP) 0702 - Other splice site variants comparable to the one identified in this case have strong previous evidence for pathogenicity. At least three different variants affecting the same splice donor region have previously been reported as pathogenic in individuals with NDUFS4-related Leigh syndrome (MIM#252010) (ClinVar, LOVD, HGMD, PMID: 27079373). (SP) 0807 - This variant has no previous evidence of pathogenicity. (I) 0905 - No published segregation evidence has been identified for this variant. (I) 1007 - No published functional evidence has been identified for this variant. (I) 1102 - Strong phenotype match for this individual. (I) Legend: (SP) - Supporting pathogenic, (I) - Information, (SB) - Supporting benign

Literature cited by the submitters: PubMed 27079373.

NM_002495.4(NDUFS4):c.350+1G>T

Gene: NDUFS4 (NADH:ubiquinone oxidoreductase subunit S4; plus strand). Cytogenetic location: 5q11.2.
Variant type: single nucleotide variant.
Coding change: c.350+1G>T on transcript NM_002495.4 (MANE Select); the canonical splice donor site of the intron after coding-DNA position 350, G replaced by T.
Molecular consequence: splice donor variant.
Genome position (GRCh38, 1-based): chr5:53,646,406, G>T. VCF-style: chr5-53646406-G-T. GRCh37 (hg19) VCF-style: chr5-52942236-G-T.
Other names: c.350+1G>T (NM_001318051.2).
Identifiers: ClinVar variation 2500769 (VCV002500769.2), dbSNP rs1260453815, ClinGen allele CA359719917.
Genomic context (GRCh38, chr5:53,646,406, plus strand): 5'-GAAGATGGAGTTTGATACCAGAGAGCGATGGGAAAATCCTTTGATGGGTTGGGCATCAAC[G>T]TGAGTACTTTATTTTAATGTGAATATTGTCAGCTATCTTTTTCTATGTAGATCTTTCTTC-3'